The following is an entry in ClinVar:

ClinVar aggregate classification (germline): Uncertain significance (1 of 4 stars; one submission).

Conditions:
Charcot-Marie-Tooth disease type 2R. Also called: CHARCOT-MARIE-TOOTH DISEASE, AXONAL, AUTOSOMAL RECESSIVE, TYPE 2R; CHARCOT-MARIE-TOOTH NEUROPATHY, TYPE 2R; Charcot-Marie-Tooth disease, axonal, type 2R. Identifiers: Orphanet 397968, MedGen C3809655, MONDO:0014208, OMIM 615490.

Allele frequency attached by ClinVar (database versions not stated): gnomAD 0.00001.
gnomAD v4.1: 27 of 1,567,180 alleles (0.0017%); highest among the groups gnomAD compares: South Asian, 0.0037%; no homozygotes.

Submission:

Labcorp Genetics (formerly Invitae), Labcorp
Classification: Uncertain significance for Charcot-Marie-Tooth disease type 2R. Last evaluated: 2022-09-07. Review status: criteria provided, single submitter. Criteria: Invitae Variant Classification Sherloc (09022015). Collection method: clinical testing. Allele origin: germline.
Comment: This variant has not been reported in the literature in individuals affected with TRIM2-related conditions. In summary, the available evidence is currently insufficient to determine the role of this variant in disease. Therefore, it has been classified as a Variant of Uncertain Significance. Algorithms developed to predict the effect of missense changes on protein structure and function are either unavailable or do not agree on the potential impact of this missense change (SIFT: "Deleterious"; PolyPhen-2: "Benign"; Align-GVGD: "Class C0"). This variant is present in population databases (rs777739975, gnomAD 0.03%). This sequence change replaces alanine, which is neutral and non-polar, with serine, which is neutral and polar, at codon 455 of the TRIM2 protein (p.Ala455Ser).

NM_015271.5(TRIM2):c.1444G>T (p.Ala482Ser)

Gene: TRIM2 (tripartite motif containing 2; plus strand). Cytogenetic location: 4q31.3.
Variant type: single nucleotide variant.
Coding change: c.1444G>T on transcript NM_015271.5 (MANE Select); coding-DNA position 1444, G replaced by T.
Protein change: p.Ala482Ser; replaces alanine 482 with serine.
Molecular consequence: missense variant.
Genome position (GRCh38, 1-based): chr4:153,295,970, G>T. VCF-style: chr4-153295970-G-T. GRCh37 (hg19) VCF-style: chr4-154217122-G-T.
Other names: c.1105G>T, p.Ala369Ser (NM_001375522.1, NM_001375523.1, NM_001375525.1); c.1363G>T, p.Ala455Ser (NM_001351056.2, NM_001375512.1, NM_001375513.1 and 5 more transcripts); c.988G>T, p.Ala330Ser (NM_001351057.2); c.1537G>T, p.Ala513Ser (NM_001375488.1); c.1534G>T, p.Ala512Ser (NM_001375489.1); c.1387G>T, p.Ala463Ser (NM_001375490.1); c.1384G>T, p.Ala462Ser (NM_001375491.1); c.1111G>T, p.Ala371Ser (NM_001375519.1); and 3 more; short protein forms A455S, A462S, A472S, A370S, A371S, A463S, A482S, A513S.
Identifiers: ClinVar variation 2081464 (VCV002081464.4), dbSNP rs777739975, ClinGen allele CA3108740.